The following is an entry in ClinVar:

ClinVar aggregate classification (germline): Uncertain significance. Review status: criteria provided, multiple submitters, no conflicts (2 of 4 stars). 3 submissions from 3 submitters: Uncertain significance (3). Last evaluated 2026-06-06.

Conditions:
Hereditary cancer-predisposing syndrome. Also called: Tumor predisposition; Hereditary Cancer Syndrome; Hereditary neoplastic syndrome; Neoplastic Syndromes, Hereditary. Identifiers: Orphanet 140162, MedGen C0027672, MeSH D009386, MONDO:0015356.
Retinoblastoma (RB1). Also called: RETINOBLASTOMA, SOMATIC. Identifiers: Orphanet 790, MedGen C0035335, MeSH D012175, MONDO:0008380, OMIM 180200, HP:0009919. Disease mechanism: loss of function. Inheritance: Both sporadic and heritable forms are tested..

gnomAD v4.1: 2 of 1,591,762 alleles (0.00013%); highest among the groups gnomAD compares: Non-Finnish European, 0.00017%; no homozygotes.

Submissions (3):

Ambry Genetics
Classification: Uncertain significance for Hereditary cancer-predisposing syndrome. Last evaluated: 2026-06-06. Review status: criteria provided, single submitter. Criteria: Ambry Variant Classification Scheme 2023. Collection method: clinical testing. Allele origin: germline.
Comment: The p.P177L variant (also known as c.530C>T), located in coding exon 5 of the RB1 gene, results from a C to T substitution at nucleotide position 530. The proline at codon 177 is replaced by leucine, an amino acid with similar properties. This amino acid position is highly conserved in available vertebrate species. In addition, this alteration is predicted to be tolerated by in silico analysis. Based on the available evidence, the clinical significance of this variant remains unclear.

Labcorp Genetics (formerly Invitae), Labcorp
Classification: Uncertain significance for Retinoblastoma. Last evaluated: 2024-04-22. Review status: criteria provided, single submitter. Criteria: Invitae Variant Classification Sherloc (09022015). Collection method: clinical testing. Allele origin: germline.
Comment: This sequence change replaces proline, which is neutral and non-polar, with leucine, which is neutral and non-polar, at codon 177 of the RB1 protein (p.Pro177Leu). This variant is not present in population databases (gnomAD no frequency). This variant has not been reported in the literature in individuals affected with RB1-related conditions. ClinVar contains an entry for this variant (Variation ID: 2151097). Advanced modeling of protein sequence and biophysical properties (such as structural, functional, and spatial information, amino acid conservation, physicochemical variation, residue mobility, and thermodynamic stability) has been performed at Invitae for this missense variant, however the output from this modeling did not meet the statistical confidence thresholds required to predict the impact of this variant on RB1 protein function. In summary, the available evidence is currently insufficient to determine the role of this variant in disease. Therefore, it has been classified as a Variant of Uncertain Significance.

All of Us Research Program, National Institutes of Health
Classification: Uncertain significance for Retinoblastoma. Last evaluated: 2023-11-30. Review status: criteria provided, single submitter. Criteria: ACMG Guidelines, 2015. Collection method: clinical testing. Allele origin: germline. Inheritance: Autosomal dominant inheritance. Observed: 1 variant allele, 1 heterozygote.
Comment: This study involves interpretation of variants in research participants for the purpose of population health screening. Participant phenotype was not available at the time of variant classification. Additional details can be found in publication PMID: 35346344, PMCID: PMC8962531

NM_000321.3(RB1):c.530C>T (p.Pro177Leu)

Gene: RB1 (RB transcriptional corepressor 1; plus strand). Cytogenetic location: 13q14.2.
Variant type: single nucleotide variant.
Coding change: c.530C>T on transcript NM_000321.3 (MANE Select); coding-DNA position 530, C replaced by T.
Protein change: p.Pro177Leu; replaces proline 177 with leucine.
Molecular consequence: missense variant.
Genome position (GRCh38, 1-based): chr13:48,347,854, C>T. VCF-style: chr13-48347854-C-T. GRCh37 (hg19) VCF-style: chr13-48921990-C-T.
Other names: c.530C>T, p.Pro177Leu (NM_001407165.1, NM_001407166.1); short protein forms P177L.
Identifiers: ClinVar variation 2151097 (VCV002151097.6), dbSNP rs1952511945, ClinGen allele CA388156844.